The following is an entry in ClinVar:

ClinVar aggregate classification (germline): Uncertain significance (1 of 4 stars; one submission).

Conditions:
Alstrom syndrome (ALMS). Identifiers: Orphanet 64, MedGen C0268425, MONDO:0008763, OMIM 203800.

gnomAD v4.1: 1 of 1,612,806 alleles (0.000062%); highest among the groups gnomAD compares: South Asian, 0.0011%; no homozygotes.

Submission:

Labcorp Genetics (formerly Invitae), Labcorp
Classification: Uncertain significance for Alstrom syndrome. Last evaluated: 2022-09-09. Review status: criteria provided, single submitter. Criteria: Invitae Variant Classification Sherloc (09022015). Collection method: clinical testing. Allele origin: germline.
Comment: This sequence change replaces tyrosine, which is neutral and polar, with serine, which is neutral and polar, at codon 1430 of the ALMS1 protein (p.Tyr1430Ser). This variant is not present in population databases (gnomAD no frequency). This variant has not been reported in the literature in individuals affected with ALMS1-related conditions. ClinVar contains an entry for this variant (Variation ID: 1402527). Experimental studies and prediction algorithms are not available or were not evaluated, and the functional significance of this variant is currently unknown. In summary, the available evidence is currently insufficient to determine the role of this variant in disease. Therefore, it has been classified as a Variant of Uncertain Significance.

NM_001378454.1(ALMS1):c.4286A>C (p.Tyr1429Ser)

Gene: ALMS1 (ALMS1 centrosome and basal body associated protein; plus strand). Cytogenetic location: 2p13.1.
Variant type: single nucleotide variant.
Coding change: c.4286A>C on transcript NM_001378454.1 (MANE Select); coding-DNA position 4286, A replaced by C.
Protein change: p.Tyr1429Ser; replaces tyrosine 1429 with serine.
Molecular consequence: missense variant.
Genome position (GRCh38, 1-based): chr2:73,450,813, A>C. VCF-style: chr2-73450813-A-C. GRCh37 (hg19) VCF-style: chr2-73677940-A-C.
Other names: c.4289A>C, p.Tyr1430Ser (NM_015120.4); short protein forms Y1429S, Y1430S.
Identifiers: ClinVar variation 1402527 (VCV001402527.3), dbSNP rs763136053, ClinGen allele CA347277998.